The following is an entry in ClinVar:

ClinVar aggregate classification (germline): Likely pathogenic (1 of 4 stars; one submission).

Conditions:
Myasthenic syndrome, congenital, 1A, slow-channel. Also called: CMS IIa; MYASTHENIC SYNDROME, CONGENITAL, TYPE IIa; Congenital myasthenic syndrome 1A. Identifiers: MedGen C2931107, MONDO:0011088, OMIM 601462.

Submission:

Pediatric Neurology, Ankara Etlik City Hospital, Health Sciences University
Classification: Likely pathogenic for Myasthenic syndrome, congenital, 1A, slow-channel. Last evaluated: 2026-04-14. Review status: criteria provided, single submitter. Criteria: ACMG Guidelines, 2015. Collection method: clinical testing. Allele origin: germline. Inheritance: Autosomal dominant inheritance. Affected: yes. Observed: 1 variant allele, 1 heterozygote.
Comment: PM2 PM5 PP3

NM_000079.4(CHRNA1):c.425C>T (p.Ala142Val)

Gene: CHRNA1 (cholinergic receptor nicotinic alpha 1 subunit; minus strand). Cytogenetic location: 2q31.1.
Variant type: single nucleotide variant.
Coding change: c.425C>T on transcript NM_000079.4 (MANE Select); coding-DNA position 425, C replaced by T.
Protein change: p.Ala142Val; replaces alanine 142 with valine.
Molecular consequence: missense variant.
Genome position (GRCh38, 1-based): chr2:174,754,334, G>A on the plus strand (C>T on the coding strand, the complement: CHRNA1 is on the minus strand). VCF-style: chr2-174754334-G-A. GRCh37 (hg19) VCF-style: chr2-175619062-G-A.
Other names: c.500C>T, p.Ala167Val (NM_001039523.3); short protein forms A142V, A167V.
Identifiers: ClinVar variation 4845289 (VCV004845289.1).